The following is an entry in ClinVar:

NM_152381.6(XIRP2):c.4872G>T (p.Leu1624Phe)

Gene: XIRP2 (xin actin binding repeat containing 2; plus strand). Cytogenetic location: 2q24.3.
Variant type: single nucleotide variant.
Coding change: c.4872G>T on transcript NM_152381.6 (MANE Select); coding-DNA position 4872, G replaced by T.
Protein change: p.Leu1624Phe; replaces leucine 1624 with phenylalanine.
Molecular consequence: missense variant. On other transcripts: intron variant (3).
Genome position (GRCh38, 1-based): chr2:167,246,264, G>T. VCF-style: chr2-167246264-G-T. GRCh37 (hg19) VCF-style: chr2-168102774-G-T.
Other names: c.4206G>T, p.Leu1402Phe (NM_001199144.2); c.1275+4354G>T (NM_001199143.2); c.1176+4354G>T (NM_001079810.4); c.510+4354G>T (NM_001199145.2); short protein forms L1402F, L1624F.
Identifiers: ClinVar variation 3037603 (VCV003037603.2), dbSNP rs72884678, ClinGen allele CA1947114.

ClinVar aggregate classification (germline): Benign (0 of 4 stars; one submission).

Conditions:
XIRP2-related disorder. Also called: XIRP2-related condition.

Allele frequency attached by ClinVar (database versions not stated): 1000 Genomes Project 0.01318; 1000 Genomes Project 30x 0.01405; gnomAD 0.03605; ESP Exome Variant Server 0.04085; gnomAD exomes 0.05172.
gnomAD v4.1: 80,730 of 1,613,242 alleles (5%); highest among the groups gnomAD compares: Non-Finnish European, 6%; 2,405 homozygotes.

Submission:

PreventionGenetics, part of Exact Sciences
Classification: Benign for XIRP2-related condition. Last evaluated: 2019-08-09. Review status: no assertion criteria provided. Collection method: clinical testing. Allele origin: germline.
Comment: This variant is classified as benign based on ACMG/AMP sequence variant interpretation guidelines (Richards et al. 2015 PMID: 25741868, with internal and published modifications).